The following is an entry in ClinVar:

ClinVar aggregate classification (germline): Benign/Likely benign. Review status: criteria provided, multiple submitters, no conflicts (2 of 4 stars). 5 submissions from 5 submitters: Benign (1); Likely benign (3). 1 of the submissions does not count toward it. Last evaluated 2026-01-18.

Conditions:
Acrocallosal syndrome (ACLS). Also called: Schinzel syndrome 1; Absence of corpus callosum with unusual facial appearance, mental deficiency, duplication of the halluces and polydactyly; HALLUX DUPLICATION, POSTAXIAL POLYDACTYLY, AND ABSENCE OF CORPUS CALLOSUM. Identifiers: Orphanet 36, MedGen C0796147, MONDO:0008708, OMIM 200990.
Hydrolethalus syndrome 2 (HLS2). Identifiers: Orphanet 2189, MedGen C3279899, MONDO:0013585, OMIM 614120.
Multiple epiphyseal dysplasia, Al-Gazali type. Also called: Macrocephaly with multiple epiphyseal dysplasia and distinctive facies. Identifiers: Orphanet 166024, MedGen C1846722, MONDO:0011778, OMIM 607131.
KIF7-related disorder. Also called: KIF7-related condition.

Allele frequency attached by ClinVar (database versions not stated): ExAC 0.00016; 1000 Genomes Project 0.00080; 1000 Genomes Project 30x 0.00141.
gnomAD v4.1: 281 of 1,546,276 alleles (0.018%); highest among the groups gnomAD compares: African/African-American, 0.34%; 2 homozygotes.

Submissions (5):

Labcorp Genetics (formerly Invitae), Labcorp
Classification: Benign for Acrocallosal syndrome. Last evaluated: 2026-01-18. Review status: criteria provided, single submitter. Criteria: Invitae Variant Classification Sherloc (09022015). Collection method: clinical testing. Allele origin: germline.

Blueprint Genetics
Classification: Likely benign. Last evaluated: 2024-08-28. Review status: criteria provided, single submitter. Criteria: ACMG Guidelines, 2015. Collection method: clinical testing. Allele origin: germline.

Fulgent Genetics
Classification: Likely benign for Acrocallosal syndrome; Multiple epiphyseal dysplasia, Al-Gazali type; Hydrolethalus syndrome 2. Last evaluated: 2022-04-12. Review status: criteria provided, single submitter. Criteria: ACMG Guidelines, 2015. Collection method: clinical testing. Allele origin: unknown.

GeneDx
Classification: Likely benign. Last evaluated: 2021-06-11. Review status: criteria provided, single submitter. Criteria: GeneDx Variant Classification Process June 2021. Collection method: clinical testing. Allele origin: germline. Affected: yes.

PreventionGenetics, part of Exact Sciences
Classification: Likely benign for KIF7-related condition. Last evaluated: 2022-07-06. Review status: no assertion criteria provided. Collection method: clinical testing. Allele origin: germline. Not counted in ClinVar's aggregate classification.
Comment: This variant is classified as likely benign based on ACMG/AMP sequence variant interpretation guidelines (Richards et al. 2015 PMID: 25741868, with internal and published modifications).

NM_198525.3(KIF7):c.710G>T (p.Arg237Leu)

Gene: KIF7 (kinesin family member 7; minus strand). Cytogenetic location: 15q26.1.
Variant type: single nucleotide variant.
Coding change: c.710G>T on transcript NM_198525.3 (MANE Select); coding-DNA position 710, G replaced by T.
Protein change: p.Arg237Leu; replaces arginine 237 with leucine.
Molecular consequence: missense variant.
Genome position (GRCh38, 1-based): chr15:89,649,187, C>A on the plus strand (G>T on the coding strand, the complement: KIF7 is on the minus strand). VCF-style: chr15-89649187-C-A. GRCh37 (hg19) VCF-style: chr15-90192418-C-A.
Other names: short protein forms R237L.
Identifiers: ClinVar variation 1164639 (VCV001164639.16), dbSNP rs529571444, ClinGen allele CA7728615.